The following is an entry in ClinVar:

ClinVar aggregate classification (germline): Uncertain significance (1 of 4 stars; one submission).

Conditions:
Mowat-Wilson syndrome (MOWS). Also called: Classic Mowat-Wilson Syndrome. Identifiers: Orphanet 2152, MedGen C1856113, MONDO:0009341, OMIM 235730.

Allele frequency attached by ClinVar (database versions not stated): TOPMed below 0.00001; gnomAD 0.00001.
gnomAD v4.1: 4 of 1,614,024 alleles (0.00025%); highest among the groups gnomAD compares: South Asian, 0.0011%; no homozygotes.

Submission:

Labcorp Genetics (formerly Invitae), Labcorp
Classification: Uncertain significance for Mowat-Wilson syndrome. Last evaluated: 2018-03-17. Review status: criteria provided, single submitter. Criteria: Invitae Variant Classification Sherloc (09022015). Collection method: clinical testing. Allele origin: germline.
Comment: This variant is not present in population databases (ExAC no frequency). This sequence change replaces phenylalanine with leucine at codon 806 of the ZEB2 protein (p.Phe806Leu). The phenylalanine residue is moderately conserved and there is a small physicochemical difference between phenylalanine and leucine. This variant has not been reported in the literature in individuals with ZEB2-related disease. In summary, the available evidence is currently insufficient to determine the role of this variant in disease. Therefore, it has been classified as a Variant of Uncertain Significance. Algorithms developed to predict the effect of missense changes on protein structure and function (SIFT, PolyPhen-2, Align-GVGD) all suggest that this variant is likely to be tolerated, but these predictions have not been confirmed by published functional studies and their clinical significance is uncertain.

NM_014795.4(ZEB2):c.2418C>A (p.Phe806Leu)

Gene: ZEB2 (zinc finger E-box binding homeobox 2; minus strand). Cytogenetic location: 2q22.3.
Variant type: single nucleotide variant.
Coding change: c.2418C>A on transcript NM_014795.4 (MANE Select); coding-DNA position 2418, C replaced by A.
Protein change: p.Phe806Leu; replaces phenylalanine 806 with leucine.
Molecular consequence: missense variant.
Genome position (GRCh38, 1-based): chr2:144,398,769, G>T on the plus strand (C>A on the coding strand, the complement: ZEB2 is on the minus strand). VCF-style: chr2-144398769-G-T. GRCh37 (hg19) VCF-style: chr2-145156336-G-T.
Other names: c.2346C>A, p.Phe782Leu (NM_001171653.2); short protein forms F806L, F782L.
Identifiers: ClinVar variation 575923 (VCV000575923.8), dbSNP rs770951243, ClinGen allele CA348708329.